The following is an entry in ClinVar:

NM_002204.4(ITGA3):c.2238C>A (p.Asn746Lys)

Gene: ITGA3 (integrin subunit alpha 3; plus strand). Cytogenetic location: 17q21.33.
Variant type: single nucleotide variant.
Coding change: c.2238C>A on transcript NM_002204.4 (MANE Select); coding-DNA position 2238, C replaced by A.
Protein change: p.Asn746Lys; replaces asparagine 746 with lysine.
Molecular consequence: missense variant.
Genome position (GRCh38, 1-based): chr17:50,078,225, C>A. VCF-style: chr17-50078225-C-A. GRCh37 (hg19) VCF-style: chr17-48155589-C-A.
Other names: NM_005501.2:c.2238C>A; short protein forms N746K.
Identifiers: ClinVar variation 2647890 (VCV002647890.26), dbSNP rs753132584, ClinGen allele CA8641871.
Genomic context (GRCh38, chr17:50,078,225, plus strand): 5'-GTATCTTGGATCACCTTCCTAACCCCTGCATTTCCTCCCAAGGTCGAGTCACCAGGACAA[C>A]CTGTGGCCCATGATCCTCACTCTGCTGGTGGACTATACACTCCAGACCTCGCTTAGCATG-3'
Protein context (NP_002195.1, residues 736-756): LQLSTSSHQD[Asn746Lys]LWPMILTLLV

ClinVar aggregate classification (germline): Uncertain significance. Review status: criteria provided, multiple submitters, no conflicts (2 of 4 stars). 3 submissions from 3 submitters: Uncertain significance (3). Last evaluated 2024-06-25.

Conditions:
Inborn genetic diseases. Identifiers: MedGen C0950123, MeSH D030342.
Epidermolysis bullosa, junctional 7, with interstitial lung disease and nephrotic syndrome. Also called: Interstitial lung disease, nephrotic syndrome, and epidermolysis bullosa, congenital; Interstitial Lung Disease with Nephrotic Syndrome and Epidermolysis Bullosa. Identifiers: Orphanet 306504, MedGen C4518785, MONDO:0013881, OMIM 614748.

Allele frequency attached by ClinVar (database versions not stated): TOPMed 0.00004; gnomAD 0.00005; ExAC 0.00006; gnomAD exomes 0.00012.
gnomAD v4.1: 177 of 1,613,930 alleles (0.011%); highest among the groups gnomAD compares: Non-Finnish European, 0.015%; no homozygotes.

Submissions (3):

Ambry Genetics
Classification: Uncertain significance for Inborn genetic diseases. Last evaluated: 2024-06-25. Review status: criteria provided, single submitter. Criteria: Ambry Variant Classification Scheme 2023. Collection method: clinical testing. Allele origin: germline.

Fulgent Genetics
Classification: Uncertain significance for Epidermolysis bullosa, junctional 7, with interstitial lung disease and nephrotic syndrome. Last evaluated: 2024-06-14. Review status: criteria provided, single submitter. Criteria: ACMG Guidelines, 2015. Collection method: clinical testing. Allele origin: germline.

CeGaT Center for Human Genetics Tuebingen
Classification: Uncertain significance. Last evaluated: 2023-02-01. Review status: criteria provided, single submitter. Criteria: CeGaT Center For Human Genetics Tuebingen Variant Classification Criteria Version 2. Collection method: clinical testing. Allele origin: germline. Affected: yes. Observed: 1 variant allele.
Comment: ITGA3: PM2, BP4